The following is an entry in ClinVar:

ClinVar aggregate classification (germline): Uncertain significance. Review status: criteria provided, multiple submitters, no conflicts (2 of 4 stars). 3 submissions from 3 submitters: Uncertain significance (3). Last evaluated 2026-08-12.

Conditions:
MCM2-related disorder. Also called: MCM2-related condition.

Allele frequency attached by ClinVar (database versions not stated): gnomAD 0.00001; TOPMed 0.00001; ESP Exome Variant Server 0.00008.
gnomAD v4.1: 21 of 1,613,904 alleles (0.0013%); highest among the groups gnomAD compares: Middle Eastern, 0.049%; no homozygotes.

Submissions (3):

PreventionGenetics, part of Exact Sciences
Classification: Uncertain significance for MCM2-related condition. Last evaluated: 2026-08-12. Review status: criteria provided, single submitter. Criteria: ACMG Guidelines, 2015. Collection method: clinical testing. Allele origin: germline.
Comment: The MCM2 c.680G>A variant is predicted to result in the amino acid substitution p.Arg227His. To our knowledge, this variant has not been reported in the literature. This variant is reported in 0.0018% of alleles in individuals of European (Non-Finnish) descent in gnomAD. At this time, the clinical significance of this variant is uncertain due to the absence of conclusive functional and genetic evidence.

Women's Health and Genetics/Laboratory Corporation of America, LabCorp
Classification: Uncertain significance. Last evaluated: 2026-02-10. Review status: criteria provided, single submitter. Criteria: LabCorp Variant Classification Summary - May 2015. Collection method: clinical testing. Allele origin: germline.
Comment: Variant summary: MCM2 c.680G>A (p.Arg227His) results in a non-conservative amino acid change in the encoded protein sequence. Algorithms developed to predict the effect of missense changes on protein structure and function are either unavailable or do not agree on the potential impact of this missense change. The variant allele was found at a frequency of 8e-06 in 249870 control chromosomes. The available data on variant occurrences in the general population are insufficient to allow any conclusion about variant significance. To our knowledge, no occurrence of c.680G>A in individuals affected with MCM2-related conditions and no experimental evidence demonstrating its impact on protein function have been reported. ClinVar contains an entry for this variant (Variation ID: 2421322). Based on the evidence outlined above, the variant was classified as uncertain significance.

Labcorp Genetics (formerly Invitae), Labcorp
Classification: Uncertain significance. Last evaluated: 2023-10-03. Review status: criteria provided, single submitter. Criteria: Invitae Variant Classification Sherloc (09022015). Collection method: clinical testing. Allele origin: germline.
Comment: This sequence change replaces arginine, which is basic and polar, with histidine, which is basic and polar, at codon 227 of the MCM2 protein (p.Arg227His). This variant is present in population databases (rs370122469, gnomAD 0.002%). This variant has not been reported in the literature in individuals affected with MCM2-related conditions. ClinVar contains an entry for this variant (Variation ID: 2421322). Advanced modeling of protein sequence and biophysical properties (such as structural, functional, and spatial information, amino acid conservation, physicochemical variation, residue mobility, and thermodynamic stability) performed at Invitae indicates that this missense variant is not expected to disrupt MCM2 protein function. In summary, the available evidence is currently insufficient to determine the role of this variant in disease. Therefore, it has been classified as a Variant of Uncertain Significance.

NM_004526.4(MCM2):c.680G>A (p.Arg227His)

Gene: MCM2 (minichromosome maintenance complex component 2; plus strand). Cytogenetic location: 3q21.3.
Variant type: single nucleotide variant.
Coding change: c.680G>A on transcript NM_004526.4 (MANE Select); coding-DNA position 680, G replaced by A.
Protein change: p.Arg227His; replaces arginine 227 with histidine.
Molecular consequence: missense variant. On other transcripts: non-coding transcript variant (1).
Genome position (GRCh38, 1-based): chr3:127,606,124, G>A. VCF-style: chr3-127606124-G-A. GRCh37 (hg19) VCF-style: chr3-127324967-G-A.
Other names: c.680G>A (NM_004526.3); short protein forms R227H.
Identifiers: ClinVar variation 2421322 (VCV002421322.8), dbSNP rs370122469, ClinGen allele CA2595685.